The following is an entry in ClinVar:

NM_002458.3(MUC5B):c.670G>T (p.Ala224Ser)

Gene: MUC5B (mucin 5B, oligomeric mucus/gel-forming; plus strand). Cytogenetic location: 11p15.5.
Variant type: single nucleotide variant.
Coding change: c.670G>T on transcript NM_002458.3 (MANE Select); coding-DNA position 670, G replaced by T.
Protein change: p.Ala224Ser; replaces alanine 224 with serine.
Molecular consequence: missense variant.
Genome position (GRCh38, 1-based): chr11:1,227,677, G>T. VCF-style: chr11-1227677-G-T. GRCh37 (hg19) VCF-style: chr11-1248907-G-T.
Other names: short protein forms A224S.
Identifiers: ClinVar variation 3344558 (VCV003344558.1).

ClinVar aggregate classification (germline): Uncertain significance (0 of 4 stars; one submission).

Conditions:
MUC5B-related disorder. Also called: MUC5B-related condition.

Submission:

PreventionGenetics, part of Exact Sciences
Classification: Uncertain significance for MUC5B-related condition. Last evaluated: 2024-06-06. Review status: no assertion criteria provided. Collection method: clinical testing. Allele origin: germline.
Comment: The MUC5B c.670G>T variant is predicted to result in the amino acid substitution p.Ala224Ser. To our knowledge, this variant has not been reported in the literature or in a large population database, indicating this variant is rare. At this time, the clinical significance of this variant is uncertain due to the absence of conclusive functional and genetic evidence.